The following is an entry in ClinVar:

ClinVar aggregate classification (germline): Uncertain significance. Review status: criteria provided, multiple submitters, no conflicts (2 of 4 stars). 2 submissions from 2 submitters: Uncertain significance (2). Last evaluated 2025-05-14.

Allele frequency attached by ClinVar (database versions not stated): ExAC 0.00002; gnomAD 0.00001; gnomAD exomes 0.00001 and 0.00003.
gnomAD v4.1: 41 of 1,609,792 alleles (0.0025%); highest among the groups gnomAD compares: Admixed American, 0.005%; no homozygotes.

Submissions (2):

Ambry Genetics
Classification: Uncertain significance. Last evaluated: 2025-05-14. Review status: criteria provided, single submitter. Criteria: Ambry Variant Classification Scheme 2023. Collection method: clinical testing. Allele origin: germline.

Labcorp Genetics (formerly Invitae), Labcorp
Classification: Uncertain significance. Last evaluated: 2022-08-22. Review status: criteria provided, single submitter. Criteria: Invitae Variant Classification Sherloc (09022015). Collection method: clinical testing. Allele origin: germline.
Comment: This sequence change replaces aspartic acid, which is acidic and polar, with asparagine, which is neutral and polar, at codon 351 of the FCHO1 protein (p.Asp351Asn). This variant is present in population databases (rs780189734, gnomAD 0.004%). This variant has not been reported in the literature in individuals affected with FCHO1-related conditions. ClinVar contains an entry for this variant (Variation ID: 1442591). Algorithms developed to predict the effect of missense changes on protein structure and function are either unavailable or do not agree on the potential impact of this missense change (SIFT: "Tolerated"; PolyPhen-2: "Possibly Damaging"; Align-GVGD: "Class C0"). In summary, the available evidence is currently insufficient to determine the role of this variant in disease. Therefore, it has been classified as a Variant of Uncertain Significance.

NM_015122.3(FCHO1):c.1051G>A (p.Asp351Asn)

Gene: FCHO1 (FCH and mu domain containing endocytic adaptor 1; plus strand). Cytogenetic location: 19p13.11.
Variant type: single nucleotide variant.
Coding change: c.1051G>A on transcript NM_015122.3 (MANE Select); coding-DNA position 1051, G replaced by A.
Protein change: p.Asp351Asn; replaces aspartic acid 351 with asparagine.
Molecular consequence: missense variant. On other transcripts: non-coding transcript variant (36).
Genome position (GRCh38, 1-based): chr19:17,776,030, G>A. VCF-style: chr19-17776030-G-A. GRCh37 (hg19) VCF-style: chr19-17886839-G-A.
Other names: c.1051G>A, p.Asp351Asn (NM_001161357.2, NM_001161358.2, NM_001384370.1 and 25 more transcripts); c.901G>A, p.Asp301Asn (NM_001161359.2, NM_001384384.1, NM_001384385.1 and 3 more transcripts); c.1012G>A, p.Asp338Asn (NM_001384388.1, NM_001384389.1, NM_001384405.1); c.976G>A, p.Asp326Asn (NM_001384390.1); c.1006G>A, p.Asp336Asn (NM_001384403.1); c.1051G>A (NM_001161357.1); short protein forms D301N, D338N, D351N, D326N, D336N.
Identifiers: ClinVar variation 1442591 (VCV001442591.6), dbSNP rs780189734, ClinGen allele CA9300378.